The following is an entry in ClinVar:

ClinVar aggregate classification (germline): Uncertain significance (1 of 4 stars; one submission).

Allele frequency attached by ClinVar (database versions not stated): TOPMed 0.00001; gnomAD 0.00001.
gnomAD v4.1: 7 of 1,613,950 alleles (0.00043%); highest among the groups gnomAD compares: Non-Finnish European, 0.00059%; no homozygotes.

Submission:

Labcorp Genetics (formerly Invitae), Labcorp
Classification: Uncertain significance. Last evaluated: 2021-04-23. Review status: criteria provided, single submitter. Criteria: Invitae Variant Classification Sherloc (09022015). Collection method: clinical testing. Allele origin: germline.
Comment: This sequence change replaces alanine with aspartic acid at codon 110 of the SLC18A3 protein (p.Ala110Asp). The alanine residue is weakly conserved and there is a moderate physicochemical difference between alanine and aspartic acid. This variant is not present in population databases (ExAC no frequency). This variant has not been reported in the literature in individuals with SLC18A3-related conditions. In summary, the available evidence is currently insufficient to determine the role of this variant in disease. Therefore, it has been classified as a Variant of Uncertain Significance. Algorithms developed to predict the effect of missense changes on protein structure and function (SIFT, PolyPhen-2, Align-GVGD) all suggest that this variant is likely to be tolerated, but these predictions have not been confirmed by published functional studies and their clinical significance is uncertain.

NM_003055.3(SLC18A3):c.329C>A (p.Ala110Asp)

Genes: CHAT (choline O-acetyltransferase; plus strand), SLC18A3 (solute carrier family 18 member A3; plus strand). Cytogenetic location: 10q11.23.
Variant type: single nucleotide variant.
Coding change: c.329C>A on transcript NM_003055.3 (MANE Select); coding-DNA position 329, C replaced by A.
Protein change: p.Ala110Asp; replaces alanine 110 with aspartic acid.
Molecular consequence: missense variant. On other transcripts: intron variant (1).
Genome position (GRCh38, 1-based): chr10:49,611,069, C>A. VCF-style: chr10-49611069-C-A. GRCh37 (hg19) VCF-style: chr10-50819115-C-A.
Other names: c.-69+1870C>A (NM_020984.4); short protein forms A110D.
Identifiers: ClinVar variation 1521953 (VCV001521953.7), dbSNP rs1018008774, ClinGen allele CA206620946.